The following is an entry in ClinVar:

NM_000102.4(CYP17A1):c.1041dup (p.Asn348Ter)

Gene: CYP17A1 (cytochrome P450 family 17 subfamily A member 1; minus strand). Cytogenetic location: 10q24.32.
Variant type: Duplication.
Coding change: c.1041dup on transcript NM_000102.4 (MANE Select); coding-DNA position 1041, one base duplicated (T; older notation c.1041dupT).
Protein change: p.Asn348Ter; replaces asparagine 348 with a stop codon.
Molecular consequence: nonsense.
Genome position (GRCh38, 1-based): chr10:102,832,609, A duplicated on the plus strand (T on the coding strand, the reverse complement: CYP17A1 is on the minus strand). VCF-style (leftmost placement, unchanged base first): chr10-102832608-T-TA. GRCh37 (hg19) VCF-style: chr10-104592365-T-TA.
Other names: short protein forms N348*.
Identifiers: ClinVar variation 4065688 (VCV004065688.2).
Genomic context (GRCh38, chr10:102,832,608, plus strand): 5'-GGGCCACGGGCCTGAGGCGAAGCACCTCTCGGATGGTGGCCTCCAGCAGGAGGAGACGGT[T>TA]ACGGTCACTGATAGTTGGTGTGCGGCTGAAACCCACATTCTGGTCAATCTCCTCGTAGAG-3'

ClinVar aggregate classification (germline): Likely pathogenic (1 of 4 stars; one submission).

Conditions:
Deficiency of steroid 17-alpha-monooxygenase. Also called: 17-ALPHA-HYDROXYLASE DEFICIENCY; ADRENAL HYPERPLASIA V; Congenital adrenal hyperplasia due to 17-alpha-hydroxylase deficiency; Congenital adrenal hyperplasia type 5; 17-alpha-hydroxylase/17,20-lyase deficiency. Identifiers: Orphanet 90793, MedGen C0268285, MONDO:0008730, OMIM 202110.

Submission:

Natera, Inc.
Classification: Likely pathogenic for Deficiency of steroid 17-alpha-monooxygenase. Last evaluated: 2025-02-04. Review status: criteria provided, single submitter. Criteria: Natera Variant Classification Schema (03/2026). Collection method: clinical testing. Allele origin: germline.
Comment: The c.1041dup variant in CYP17A1 is a frameshift variant predicted to shift the reading frame and introduce a stop codon. This variant is expected to result in nonsense mediated decay, truncation, or a dysfunctional protein product. This variant is rare in the general population with a frequency below the threshold expected for the associated phenotype(s). Given the available evidence, this variant is classified as Likely Pathogenic.